The following is an entry in ClinVar:

NM_018124.4(RFWD3):c.2042T>A (p.Ile681Asn)

Gene: RFWD3 (ring finger and WD repeat domain 3; minus strand). Cytogenetic location: 16q23.1.
Variant type: single nucleotide variant.
Coding change: c.2042T>A on transcript NM_018124.4 (MANE Select); coding-DNA position 2042, T replaced by A.
Protein change: p.Ile681Asn; replaces isoleucine 681 with asparagine.
Molecular consequence: missense variant.
Genome position (GRCh38, 1-based): chr16:74,626,482, A>T on the plus strand (T>A on the coding strand, the complement: RFWD3 is on the minus strand). VCF-style: chr16-74626482-A-T. GRCh37 (hg19) VCF-style: chr16-74660380-A-T.
Other names: c.2042T>A, p.Ile681Asn (NM_001370534.1, NM_001370535.1); c.1865T>A, p.Ile622Asn (NM_001370536.1); c.1208T>A, p.Ile403Asn (NM_001370537.1, NM_001370539.1, NM_001370540.1 and 3 more transcripts); short protein forms I622N, I403N, I681N.
Identifiers: ClinVar variation 2131838 (VCV002131838.4), dbSNP rs993787960, ClinGen allele CA283739596.
Genomic context (GRCh38, chr16:74,626,482, plus strand): 5'-TTGGTCAATAGTTTGCAAGTAGGTCCTCCAAAAAATGTATGTACAGGCTGGCAGGAGCAG[A>T]TTGGATTTCCAGTGTCATCCAGTCGGTAGGACATTTCCATCAGCACACTTCGTATGGTGG-3'
Protein context (NP_060594.3, residues 671-691): SYRLDDTGNP[Ile681Asn]CSCQPVHTFF

ClinVar aggregate classification (germline): Uncertain significance (1 of 4 stars; one submission).

Allele frequency attached by ClinVar (database versions not stated): gnomAD 0.00001.
gnomAD v4.1: 18 of 1,614,058 alleles (0.0011%); highest among the groups gnomAD compares: Non-Finnish European, 0.0014%; no homozygotes.

Submission:

Labcorp Genetics (formerly Invitae), Labcorp
Classification: Uncertain significance. Last evaluated: 2023-07-21. Review status: criteria provided, single submitter. Criteria: Invitae Variant Classification Sherloc (09022015). Collection method: clinical testing. Allele origin: germline.
Comment: This sequence change replaces isoleucine, which is neutral and non-polar, with asparagine, which is neutral and polar, at codon 681 of the RFWD3 protein (p.Ile681Asn). This variant is present in population databases (no rsID available, gnomAD 0.007%). This variant has not been reported in the literature in individuals affected with RFWD3-related conditions. ClinVar contains an entry for this variant (Variation ID: 2131838). An algorithm developed to predict the effect of missense changes on protein structure and function (PolyPhen-2) suggests that this variant is likely to be tolerated. In summary, the available evidence is currently insufficient to determine the role of this variant in disease. Therefore, it has been classified as a Variant of Uncertain Significance.